The following is an entry in ClinVar:

ClinVar aggregate classification (germline): Uncertain significance (1 of 4 stars; one submission).

Allele frequency attached by ClinVar (database versions not stated): gnomAD exomes below 0.00001; ExAC 0.00001.

Submission:

Labcorp Genetics (formerly Invitae), Labcorp
Classification: Uncertain significance. Last evaluated: 2022-10-24. Review status: criteria provided, single submitter. Criteria: Invitae Variant Classification Sherloc (09022015). Collection method: clinical testing. Allele origin: germline.
Comment: This sequence change replaces threonine, which is neutral and polar, with alanine, which is neutral and non-polar, at codon 3260 of the FAT4 protein (p.Thr3260Ala). This variant is not present in population databases (gnomAD no frequency). This variant has not been reported in the literature in individuals affected with FAT4-related conditions. ClinVar contains an entry for this variant (Variation ID: 1383317). Advanced modeling of protein sequence and biophysical properties (such as structural, functional, and spatial information, amino acid conservation, physicochemical variation, residue mobility, and thermodynamic stability) performed at Invitae indicates that this missense variant is not expected to disrupt FAT4 protein function. In summary, the available evidence is currently insufficient to determine the role of this variant in disease. Therefore, it has been classified as a Variant of Uncertain Significance.

NM_001291303.3(FAT4):c.9784A>G (p.Thr3262Ala)

Gene: FAT4 (FAT atypical cadherin 4; plus strand). Cytogenetic location: 4q28.1.
Variant type: single nucleotide variant.
Coding change: c.9784A>G on transcript NM_001291303.3 (MANE Select); coding-DNA position 9784, A replaced by G.
Protein change: p.Thr3262Ala; replaces threonine 3262 with alanine.
Molecular consequence: missense variant.
Genome position (GRCh38, 1-based): chr4:125,450,794, A>G. VCF-style: chr4-125450794-A-G. GRCh37 (hg19) VCF-style: chr4-126371949-A-G.
Other names: c.9784A>G, p.Thr3262Ala (NM_001291285.3); c.9778A>G, p.Thr3260Ala (NM_024582.6); short protein forms T3260A, T3262A.
Identifiers: ClinVar variation 1383317 (VCV001383317.3), dbSNP rs754811677, ClinGen allele CA3073576.